The following is an entry in ClinVar:

ClinVar aggregate classification (germline): Uncertain significance (1 of 4 stars; one submission).

Conditions:
Hereditary cancer-predisposing syndrome. Also called: Neoplastic Syndromes, Hereditary; Tumor predisposition; Hereditary neoplastic syndrome; Hereditary Cancer Syndrome. Identifiers: Orphanet 140162, MedGen C0027672, MeSH D009386, MONDO:0015356.

Submission:

Ambry Genetics
Classification: Uncertain significance for Hereditary cancer-predisposing syndrome. Last evaluated: 2026-07-07. Review status: criteria provided, single submitter. Criteria: Ambry Variant Classification Scheme 2023. Collection method: clinical testing. Allele origin: germline.
Comment: The p.E698K variant (also known as c.2092G>A), located in coding exon 7 of the AXIN2 gene, results from a G to A substitution at nucleotide position 2092. The glutamic acid at codon 698 is replaced by lysine, an amino acid with similar properties. This amino acid position is conserved. In addition, this alteration is predicted to be deleterious by in silico analysis. Based on the available evidence, the clinical significance of this variant remains unclear.

NM_004655.4(AXIN2):c.2092G>A (p.Glu698Lys)

Gene: AXIN2 (axin 2; minus strand). Cytogenetic location: 17q24.1.
Variant type: single nucleotide variant.
Coding change: c.2092G>A on transcript NM_004655.4 (MANE Select); coding-DNA position 2092, G replaced by A.
Protein change: p.Glu698Lys; replaces glutamic acid 698 with lysine.
Molecular consequence: missense variant.
Genome position (GRCh38, 1-based): chr17:65,536,369, C>T on the plus strand (G>A on the coding strand, the complement: AXIN2 is on the minus strand). VCF-style: chr17-65536369-C-T. GRCh37 (hg19) VCF-style: chr17-63532487-C-T.
Other names: c.1897G>A, p.Glu633Lys (NM_001363813.1); short protein forms E633K, E698K.
Identifiers: ClinVar variation 5032599 (VCV005032599.1).
Genomic context (GRCh38, chr17:65,536,369, plus strand): 5'-CTTCCACTCACCGCTGCTTTGGGGGCTTCGACACCTCAGCTAGCCTGCGACAGGCCTCCT[C>T]CAGCTGAGCCAGCGTGTTGGGTGGGGTCAGGGGAGGCATCGCAGGGTCCTGGGTGAACAG-3'
Protein context (NP_004646.3, residues 688-708): LTPPNTLAQL[Glu698Lys]EACRRLAEVS